The following is an entry in ClinVar:

ClinVar aggregate classification (germline): Benign/Likely benign. Review status: criteria provided, multiple submitters, no conflicts (2 of 4 stars). 7 submissions from 7 submitters: Benign (4); Likely benign (2). 1 of the submissions does not count toward it. Last evaluated 2026-01-26.

Conditions:
Kabuki syndrome 1 (KABUK1). Also called: KMT2D-Related Kabuki Syndrome. Identifiers: Orphanet 2322, MedGen CN030661, MONDO:0007843, OMIM 147920.
Choanal atresia-athelia-hypothyroidism-delayed puberty-short stature syndrome (BCAHH). Also called: BRANCHIAL ARCH ABNORMALITIES, CHOANAL ATRESIA, ATHELIA, HEARING LOSS, AND HYPOTHYROIDISM SYNDROME. Identifiers: Orphanet 589856, MedGen C5680310, MONDO:0035651, OMIM 620186.
Kabuki syndrome. Also called: Kabuki make-up syndrome; NIIKAWA-KUROKI SYNDROME. Identifiers: Orphanet 2322, MedGen C0796004, MONDO:0016512.

Allele frequency attached by ClinVar (database versions not stated): gnomAD 0.00001 and 0.00018; TOPMed 0.00003; ESP Exome Variant Server 0.00008; gnomAD exomes 0.00032 and 0.00063; ExAC 0.00069; 1000 Genomes Project 0.00160; 1000 Genomes Project 30x 0.00187.
gnomAD v4.1: 500 of 1,613,322 alleles (0.031%); highest among the groups gnomAD compares: South Asian, 0.51%; 2 homozygotes.

Submissions (7):

Labcorp Genetics (formerly Invitae), Labcorp
Classification: Benign for Kabuki syndrome. Last evaluated: 2026-01-26. Review status: criteria provided, single submitter. Criteria: Invitae Variant Classification Sherloc (09022015). Collection method: clinical testing. Allele origin: germline.

Blueprint Genetics
Classification: Likely benign. Last evaluated: 2024-11-18. Review status: criteria provided, single submitter. Criteria: ACMG Guidelines, 2015. Collection method: clinical testing. Allele origin: germline.

CeGaT Center for Human Genetics Tuebingen
Classification: Likely benign. Last evaluated: 2024-01-01. Review status: criteria provided, single submitter. Criteria: CeGaT Center For Human Genetics Tuebingen Variant Classification Criteria Version 2. Collection method: clinical testing. Allele origin: germline. Affected: yes. Observed: 1 variant allele.
Comment: KMT2D: BP4, BS1

Department of Pathology and Laboratory Medicine, Sinai Health System
Classification: Benign for Kabuki syndrome 1; Choanal atresia-athelia-hypothyroidism-delayed puberty-short stature syndrome. Last evaluated: 2022-12-13. Review status: criteria provided, single submitter. Criteria: ACMG Guidelines, 2015. Collection method: research. Allele origin: germline.

GeneDx
Classification: Benign. Last evaluated: 2020-04-16. Review status: criteria provided, single submitter. Criteria: GeneDx Variant Classification Process June 2021. Collection method: clinical testing. Allele origin: germline. Affected: yes.
Comment: This variant is associated with the following publications: (PMID: 30459467)

Breakthrough Genomics
Classification: Benign. Review status: criteria provided, single submitter. Criteria: ACMG Guidelines, 2015. Collection method: not provided. Allele origin: germline. Inheritance: Autosomal dominant inheritance. Affected: yes.

ITMI
No classification provided. Condition: AllHighlyPenetrant. Last evaluated: 2013-09-19. Review status: no classification provided. Collection method: reference population. Allele origin: germline. Not counted in ClinVar's aggregate classification.
Comment: Please see associated publication for description of ethnicities

Literature cited by the submitters: PubMed 24728327 (cited by ITMI).

NM_003482.4(KMT2D):c.1115T>A (p.Phe372Tyr)

Gene: KMT2D (lysine methyltransferase 2D; minus strand). Cytogenetic location: 12q13.12.
Variant type: single nucleotide variant.
Coding change: c.1115T>A on transcript NM_003482.4 (MANE Select); coding-DNA position 1115, T replaced by A.
Protein change: p.Phe372Tyr; replaces phenylalanine 372 with tyrosine.
Molecular consequence: missense variant.
Genome position (GRCh38, 1-based): chr12:49,052,707, A>T on the plus strand (T>A on the coding strand, the complement: KMT2D is on the minus strand). VCF-style: chr12-49052707-A-T. GRCh37 (hg19) VCF-style: chr12-49446490-A-T.
Other names: short protein forms F372Y.
Identifiers: ClinVar variation 134734 (VCV000134734.38), dbSNP rs367758673, ClinGen allele CA160641.